The following is an entry in ClinVar:

ClinVar aggregate classification (germline): Uncertain significance (1 of 4 stars; one submission).

Conditions:
Early-infantile DEE. Also called: Early infantile epileptic encephalopathy; Early infantile epileptic encephalopathy with suppression bursts; Ohtahara syndrome. Identifiers: Orphanet 1934, MedGen C0393706, MONDO:0800491.

Submission:

Labcorp Genetics (formerly Invitae), Labcorp
Classification: Uncertain significance for Early-infantile DEE. Last evaluated: 2020-03-07. Review status: criteria provided, single submitter. Criteria: Invitae Variant Classification Sherloc (09022015). Collection method: clinical testing. Allele origin: germline.
Comment: In summary, the available evidence is currently insufficient to determine the role of this variant in disease. Therefore, it has been classified as a Variant of Uncertain Significance. Algorithms developed to predict the effect of missense changes on protein structure and function do not agree on the potential impact of this missense change (SIFT: "Deleterious"; PolyPhen-2: "Probably Damaging"; Align-GVGD: "Class C0"). This variant has not been reported in the literature in individuals with KCNQ2-related disease. This variant is not present in population databases (ExAC no frequency). This sequence change replaces aspartic acid with valine at codon 531 of the KCNQ2 protein (p.Asp531Val). The aspartic acid residue is highly conserved and there is a large physicochemical difference between aspartic acid and valine.

NM_172107.4(KCNQ2):c.1592A>T (p.Asp531Val)

Gene: KCNQ2 (potassium voltage-gated channel subfamily Q member 2; minus strand). Cytogenetic location: 20q13.33.
Variant type: single nucleotide variant.
Coding change: c.1592A>T on transcript NM_172107.4 (MANE Select); coding-DNA position 1592, A replaced by T.
Protein change: p.Asp531Val; replaces aspartic acid 531 with valine.
Molecular consequence: missense variant.
Genome position (GRCh38, 1-based): chr20:63,414,127, T>A on the plus strand (A>T on the coding strand, the complement: KCNQ2 is on the minus strand). VCF-style: chr20-63414127-T-A. GRCh37 (hg19) VCF-style: chr20-62045480-T-A.
Other names: c.1508A>T, p.Asp503Val (NM_004518.6); c.1538A>T, p.Asp513Val (NM_172106.3); c.1499A>T, p.Asp500Val (NM_172108.5); short protein forms D531V, D513V, D500V, D503V.
Identifiers: ClinVar variation 530537 (VCV000530537.9), dbSNP rs1555854018, ClinGen allele CA409645327.
Genomic context (GRCh38, chr20:63,414,127, plus strand): 5'-CCGGCTGGGCAGGGGCCTCACCACACGGCTCTGATGCTGACTTTGAGGCCCGGGGTCAGG[T>A]CCTCGGTCACAAACTCGCAGGGGCAGCTCTTGTCATCCACAATGTCCTCTCCGGGGAGGC-3'
Protein context (NP_742105.1, residues 521-541): KSCPCEFVTE[Asp531Val]LTPGLKVSIR